The following is an entry in ClinVar:

ClinVar aggregate classification (germline): Uncertain significance. Review status: criteria provided, multiple submitters, no conflicts (2 of 4 stars). 7 submissions from 7 submitters: Uncertain significance (6). 1 of the submissions does not count toward it. Last evaluated 2025-12-04.

Conditions:
CEP290-related disorder. Also called: CEP290-related condition; CEP290-related disorders. Identifiers: MedGen CN239314.
Leber congenital amaurosis (LCA). Also called: Leber's amaurosis. Identifiers: Orphanet 65, MedGen C0339527, MeSH D057130, MONDO:0018998.
Inborn genetic diseases. Identifiers: MedGen C0950123, MeSH D030342.
Nephronophthisis. Also called: Juvenile Nephronophthisis. Identifiers: Orphanet 655, MedGen C0687120, MONDO:0019005, HP:0000090.
Meckel-Gruber syndrome. Also called: GRUBER SYNDROME; Dysencephalia splachnocystica; DYSENCEPHALIA SPLANCHNOCYSTICA. Identifiers: Orphanet 564, MedGen C0265215, MONDO:0018921.
Joubert syndrome. Also called: Familial aplasia of the vermis; JOUBERT-BOLTSHAUSER SYNDROME. Identifiers: Orphanet 475, MedGen C5979921, MONDO:0018772.
Bardet-Biedl syndrome 14 (BBS14). Identifiers: Orphanet 110, MedGen C2673874, MONDO:0014442, OMIM 615991.
Joubert syndrome 5 (JBTS5). Identifiers: Orphanet 2318, MedGen C1857780, MONDO:0012432, OMIM 610188.
Senior-Loken syndrome 6 (SLSN6). Identifiers: Orphanet 3156, MedGen C1857779, MONDO:0012433, OMIM 610189.
Meckel syndrome, type 4 (MKS4). Also called: MECKEL-GRUBER SYNDROME, TYPE 4. Identifiers: Orphanet 564, MedGen C1970161, MONDO:0012626, OMIM 611134.
Leber congenital amaurosis 10 (LCA10). Identifiers: Orphanet 65, MedGen C1857821, MONDO:0012723, OMIM 611755.

Allele frequency attached by ClinVar (database versions not stated): gnomAD exomes 0.00001 and 0.00003; ExAC 0.00007; gnomAD 0.00010 and 0.00011; TOPMed 0.00015; 1000 Genomes Project 30x 0.00016; 1000 Genomes Project 0.00020.
gnomAD v4.1: 37 of 1,557,206 alleles (0.0024%); highest among the groups gnomAD compares: African/African-American, 0.045%; no homozygotes.

Submissions (7):

PreventionGenetics, part of Exact Sciences
Classification: Uncertain significance for CEP290-related condition. Last evaluated: 2025-12-04. Review status: criteria provided, single submitter. Criteria: ACMG Guidelines, 2015. Collection method: clinical testing. Allele origin: germline.
Comment: The CEP290 c.6142G>C variant is predicted to result in the amino acid substitution p.Gly2048Arg. To our knowledge, this variant has not been reported in the literature. This variant is reported in 0.046% of alleles in individuals of African descent in gnomAD. At this time, the clinical significance of this variant is uncertain due to the absence of conclusive functional and genetic evidence.

Ambry Genetics
Classification: Uncertain significance for Inborn genetic diseases. Last evaluated: 2025-04-03. Review status: criteria provided, single submitter. Criteria: Ambry Variant Classification Scheme 2023. Collection method: clinical testing. Allele origin: germline.

Fulgent Genetics
Classification: Uncertain significance for Joubert syndrome 5; Senior-Loken syndrome 6; Meckel syndrome, type 4; Leber congenital amaurosis 10; Bardet-Biedl syndrome 14. Last evaluated: 2024-04-03. Review status: criteria provided, single submitter. Criteria: ACMG Guidelines, 2015. Collection method: clinical testing. Allele origin: germline.

Blueprint Genetics
Classification: Uncertain significance. Last evaluated: 2023-02-15. Review status: criteria provided, single submitter. Criteria: ACMG Guidelines, 2015. Collection method: clinical testing. Allele origin: germline.

Labcorp Genetics (formerly Invitae), Labcorp
Classification: Uncertain significance for Joubert syndrome; Meckel-Gruber syndrome; Nephronophthisis. Last evaluated: 2022-07-11. Review status: criteria provided, single submitter. Criteria: Invitae Variant Classification Sherloc (09022015). Collection method: clinical testing. Allele origin: germline.
Comment: This sequence change replaces glycine, which is neutral and non-polar, with arginine, which is basic and polar, at codon 2048 of the CEP290 protein (p.Gly2048Arg). This variant is present in population databases (rs377000187, gnomAD 0.05%). This variant has not been reported in the literature in individuals affected with CEP290-related conditions. ClinVar contains an entry for this variant (Variation ID: 990681). Algorithms developed to predict the effect of missense changes on protein structure and function are either unavailable or do not agree on the potential impact of this missense change (SIFT: "Tolerated"; PolyPhen-2: "Possibly Damaging"; Align-GVGD: "Class C0"). Algorithms developed to predict the effect of sequence changes on RNA splicing suggest that this variant may disrupt the consensus splice site. In summary, the available evidence is currently insufficient to determine the role of this variant in disease. Therefore, it has been classified as a Variant of Uncertain Significance.

Breakthrough Genomics
Classification: Uncertain significance. Review status: criteria provided, single submitter. Criteria: ACMG Guidelines, 2015. Collection method: not provided. Allele origin: germline. Inheritance: Autosomal recessive inheritance. Affected: yes.

Natera, Inc.
Classification: Uncertain significance for Leber congenital amaurosis. Last evaluated: 2020-04-17. Review status: no assertion criteria provided. Collection method: clinical testing. Allele origin: germline. Not counted in ClinVar's aggregate classification.

NM_025114.4(CEP290):c.6142G>C (p.Gly2048Arg)

Gene: CEP290 (centrosomal protein 290; minus strand). Cytogenetic location: 12q21.32.
Variant type: single nucleotide variant.
Coding change: c.6142G>C on transcript NM_025114.4 (MANE Select); coding-DNA position 6142, G replaced by C.
Protein change: p.Gly2048Arg; replaces glycine 2048 with arginine.
Molecular consequence: missense variant.
Genome position (GRCh38, 1-based): chr12:88,064,109, C>G on the plus strand (G>C on the coding strand, the complement: CEP290 is on the minus strand). VCF-style: chr12-88064109-C-G. GRCh37 (hg19) VCF-style: chr12-88457886-C-G.
Other names: c.6142G>C (NM_025114.3); short protein forms G2048R.
Identifiers: ClinVar variation 990681 (VCV000990681.10), dbSNP rs377000187, ClinGen allele CA6711551.
Genomic context (GRCh38, chr12:88,064,109, plus strand): 5'-ACTTCAAGTTTTCCTTCTGAAGCTCCTGTTCTCTCTGACAATGATCATCTGACTCTATTC[C>G]TGAAATCTTCAGGGAAATGAAATTAGGAATATTTTTAAAGTTTAATAAATAAAAGCCATA-3'
Protein context (NP_079390.3, residues 2038-2058): KDTYSKPSIS[Gly2048Arg]IESDDHCQRE